The following is an entry in ClinVar:

ClinVar aggregate classification (germline): Uncertain significance (1 of 4 stars; one submission).

Submission:

GeneDx
Classification: Uncertain significance. Last evaluated: 2024-10-21. Review status: criteria provided, single submitter. Criteria: GeneDx Variant Classification Process June 2021. Collection method: clinical testing. Allele origin: germline. Affected: yes.
Comment: Not observed at significant frequency in large population cohorts (gnomAD); In silico analysis supports that this missense variant has a deleterious effect on protein structure/function; Has not been previously published as pathogenic or benign to our knowledge

NM_006796.3(AFG3L2):c.1930A>G (p.Thr644Ala)

Gene: AFG3L2 (AFG3 like matrix AAA peptidase subunit 2; minus strand). Cytogenetic location: 18p11.21.
Variant type: single nucleotide variant.
Coding change: c.1930A>G on transcript NM_006796.3 (MANE Select); coding-DNA position 1930, A replaced by G.
Protein change: p.Thr644Ala; replaces threonine 644 with alanine.
Molecular consequence: missense variant.
Genome position (GRCh38, 1-based): chr18:12,340,251, T>C on the plus strand (A>G on the coding strand, the complement: AFG3L2 is on the minus strand). VCF-style: chr18-12340251-T-C. GRCh37 (hg19) VCF-style: chr18-12340250-T-C.
Other names: short protein forms T644A.
Identifiers: ClinVar variation 3781268 (VCV003781268.1).